The following is an entry in ClinVar:

ClinVar aggregate classification (germline): Uncertain significance. Review status: criteria provided, multiple submitters, no conflicts (2 of 4 stars). 2 submissions from 2 submitters: Uncertain significance (2). Last evaluated 2024-11-18.

Conditions:
Hereditary cancer-predisposing syndrome. Also called: Tumor predisposition; Hereditary neoplastic syndrome; Neoplastic Syndromes, Hereditary; Hereditary Cancer Syndrome. Identifiers: Orphanet 140162, MedGen C0027672, MeSH D009386, MONDO:0015356.

Allele frequency attached by ClinVar (database versions not stated): gnomAD 0.00001; TOPMed 0.00001; gnomAD exomes below 0.00001.
gnomAD v4.1: 3 of 1,614,000 alleles (0.00019%); highest among the groups gnomAD compares: African/African-American, 0.0027%; no homozygotes.

Submissions (2):

Labcorp Genetics (formerly Invitae), Labcorp
Classification: Uncertain significance. Last evaluated: 2024-11-18. Review status: criteria provided, single submitter. Criteria: Invitae Variant Classification Sherloc (09022015). Collection method: clinical testing. Allele origin: germline.
Comment: This sequence change replaces threonine, which is neutral and polar, with asparagine, which is neutral and polar, at codon 136 of the CTNNA1 protein (p.Thr136Asn). This variant is not present in population databases (gnomAD no frequency). This variant has not been reported in the literature in individuals affected with CTNNA1-related conditions. ClinVar contains an entry for this variant (Variation ID: 847495). Invitae Evidence Modeling of protein sequence and biophysical properties (such as structural, functional, and spatial information, amino acid conservation, physicochemical variation, residue mobility, and thermodynamic stability) has been performed for this missense variant. However, the output from this modeling did not meet the statistical confidence thresholds required to predict the impact of this variant on CTNNA1 protein function. In summary, the available evidence is currently insufficient to determine the role of this variant in disease. Therefore, it has been classified as a Variant of Uncertain Significance.

Ambry Genetics
Classification: Uncertain significance for Hereditary cancer-predisposing syndrome. Last evaluated: 2024-11-05. Review status: criteria provided, single submitter. Criteria: Ambry Variant Classification Scheme 2023. Collection method: clinical testing. Allele origin: germline.
Comment: The p.T136N variant (also known as c.407C>A), located in coding exon 3 of the CTNNA1 gene, results from a C to A substitution at nucleotide position 407. The threonine at codon 136 is replaced by asparagine, an amino acid with similar properties. This amino acid position is highly conserved in available vertebrate species. In addition, this alteration is predicted to be tolerated by in silico analysis. The evidence for this gene-disease relationship is limited; therefore, the clinical significance of this alteration is unclear.

NM_001903.5(CTNNA1):c.407C>A (p.Thr136Asn)

Gene: CTNNA1 (catenin alpha 1; plus strand). Cytogenetic location: 5q31.2.
Variant type: single nucleotide variant.
Coding change: c.407C>A on transcript NM_001903.5 (MANE Select); coding-DNA position 407, C replaced by A.
Protein change: p.Thr136Asn; replaces threonine 136 with asparagine.
Molecular consequence: missense variant.
Genome position (GRCh38, 1-based): chr5:138,810,143, C>A. VCF-style: chr5-138810143-C-A. GRCh37 (hg19) VCF-style: chr5-138145832-C-A.
Other names: c.407C>A, p.Thr136Asn (NM_001290307.3, NM_001323982.2, NM_001323983.1 and 3 more transcripts); c.98C>A, p.Thr33Asn (NM_001290309.3); c.38C>A, p.Thr13Asn (NM_001290310.3); short protein forms T13N, T136N, T33N.
Identifiers: ClinVar variation 847495 (VCV000847495.13), dbSNP rs1758526073, ClinGen allele CA361123298.
Genomic context (GRCh38, chr5:138,810,143, plus strand): 5'-GCTCTTCTGTGAAGCGAGGCAACATGGTTCGGGCAGCTCGAGCTTTGCTCTCTGCTGTTA[C>A]CCGGTTGCTGATTTTGGCTGACATGGCAGATGTCTACAAATTACTTGTTCAGCTGAAAGT-3'
Protein context (NP_001894.2, residues 126-146): RAARALLSAV[Thr136Asn]RLLILADMAD